The following is an entry in ClinVar:

NM_001386140.1(MTTP):c.1655C>T (p.Pro552Leu)

Gene: MTTP (microsomal triglyceride transfer protein; plus strand). Cytogenetic location: 4q23.
Variant type: single nucleotide variant.
Coding change: c.1655C>T on transcript NM_001386140.1 (MANE Select); coding-DNA position 1655, C replaced by T.
Protein change: p.Pro552Leu; replaces proline 552 with leucine.
Molecular consequence: missense variant.
Genome position (GRCh38, 1-based): chr4:99,608,863, C>T. VCF-style: chr4-99608863-C-T. GRCh37 (hg19) VCF-style: chr4-100530020-C-T.
Other names: c.1655C>T, p.Pro552Leu (NM_000253.4); c.1406C>T, p.Pro469Leu (NM_001300785.2); short protein forms P469L, P552L.
Identifiers: ClinVar variation 1328982 (VCV001328982.1), dbSNP rs758371780, ClinGen allele CA3022150.

ClinVar aggregate classification (germline): Uncertain significance (1 of 4 stars; one submission).

Allele frequency attached by ClinVar (database versions not stated): ExAC 0.00001; gnomAD exomes below 0.00001.

Submission:

Women's Health and Genetics/Laboratory Corporation of America, LabCorp
Classification: Uncertain significance. Last evaluated: 2021-11-07. Review status: criteria provided, single submitter. Criteria: LabCorp Variant Classification Summary - May 2015. Collection method: clinical testing. Allele origin: germline.
Comment: Variant summary: MTTP c.1655C>T (p.Pro552Leu) results in a non-conservative amino acid change located in the Lipid transport protein, N-terminal domain (IPR001747) of the encoded protein sequence. Four of five in-silico tools predict a damaging effect of the variant on protein function. The variant allele was found at a frequency of 4e-06 in 251132 control chromosomes. c.1655C>T has been reported in the literature as a homozygous genotype in at-least one individual affected with Abetalipoproteinaemia (Bassen-Kornzweig Syndrome) with subsequent cohort overlap (example, Aminoff_2012, Di-Filippo_2014). These data indicate that the variant may be associated with disease. To our knowledge, no experimental evidence demonstrating an impact on protein function has been reported. No clinical diagnostic laboratories have submitted clinical-significance assessments for this variant to ClinVar after 2014. Based on the evidence outlined above, the variant was classified as VUS-possibly pathogenic.

Literature cited by the submitters: PubMed 24842304; PubMed 22150066.